The following is an entry in ClinVar:

ClinVar aggregate classification (germline): Uncertain significance (1 of 4 stars; one submission).

gnomAD v4.1: 7 of 1,613,974 alleles (0.00043%); highest among the groups gnomAD compares: Non-Finnish European, 0.00059%; no homozygotes.

Submission:

Labcorp Genetics (formerly Invitae), Labcorp
Classification: Uncertain significance. Last evaluated: 2025-10-28. Review status: criteria provided, single submitter. Criteria: Invitae Variant Classification Sherloc (09022015). Collection method: clinical testing. Allele origin: germline.
Comment: This sequence change replaces tryptophan, which is neutral and slightly polar, with leucine, which is neutral and non-polar, at codon 7 of the TM4SF20 protein (p.Trp7Leu). This variant is present in population databases (rs749046852, gnomAD 0.004%). This variant has not been reported in the literature in individuals affected with TM4SF20-related conditions. An algorithm developed to predict the effect of missense changes on protein structure and function (PolyPhen-2) suggests that this variant is likely to be disruptive. In summary, the available evidence is currently insufficient to determine the role of this variant in disease. Therefore, it has been classified as a Variant of Uncertain Significance.

NM_024795.4(TM4SF20):c.20G>T (p.Trp7Leu)

Gene: TM4SF20 (transmembrane 4 L six family member 20; minus strand). Cytogenetic location: 2q36.3.
Variant type: single nucleotide variant.
Coding change: c.20G>T on transcript NM_024795.4 (MANE Select); coding-DNA position 20, G replaced by T.
Protein change: p.Trp7Leu; replaces tryptophan 7 with leucine.
Molecular consequence: missense variant.
Genome position (GRCh38, 1-based): chr2:227,379,249, C>A on the plus strand (G>T on the coding strand, the complement: TM4SF20 is on the minus strand). VCF-style: chr2-227379249-C-A. GRCh37 (hg19) VCF-style: chr2-228243965-C-A.
Other names: short protein forms W7L.
Identifiers: ClinVar variation 4701842 (VCV004701842.1).